The following is an entry in ClinVar:

NM_000944.5(PPP3CA):c.527A>T (p.Asp176Val)

Gene: PPP3CA (protein phosphatase 3 catalytic subunit alpha; minus strand). Cytogenetic location: 4q24.
Variant type: single nucleotide variant.
Coding change: c.527A>T on transcript NM_000944.5 (MANE Select); coding-DNA position 527, A replaced by T.
Protein change: p.Asp176Val; replaces aspartic acid 176 with valine.
Molecular consequence: missense variant.
Genome position (GRCh38, 1-based): chr4:101,098,482, T>A on the plus strand (A>T on the coding strand, the complement: PPP3CA is on the minus strand). VCF-style: chr4-101098482-T-A. GRCh37 (hg19) VCF-style: chr4-102019639-T-A.
Other names: c.527A>T, p.Asp176Val (NM_001130691.2, NM_001130692.2); short protein forms D176V.
Identifiers: ClinVar variation 1431003 (VCV001431003.8), dbSNP rs759365658, ClinGen allele CA3024464.

ClinVar aggregate classification (germline): Uncertain significance (1 of 4 stars; one submission).

Allele frequency attached by ClinVar (database versions not stated): gnomAD exomes below 0.00001; ExAC 0.00001; gnomAD 0.00001; TOPMed 0.00001.
gnomAD v4.1: 2 of 1,610,578 alleles (0.00012%); highest among the groups gnomAD compares: Non-Finnish European, 0.00017%; no homozygotes.

Submission:

Labcorp Genetics (formerly Invitae), Labcorp
Classification: Uncertain significance. Last evaluated: 2026-01-07. Review status: criteria provided, single submitter. Criteria: Invitae Variant Classification Sherloc (09022015). Collection method: clinical testing. Allele origin: germline.
Comment: This sequence change replaces aspartic acid, which is acidic and polar, with valine, which is neutral and non-polar, at codon 176 of the PPP3CA protein (p.Asp176Val). This variant is present in population databases (rs759365658, gnomAD 0.0009%). This variant has not been reported in the literature in individuals affected with PPP3CA-related conditions. ClinVar contains an entry for this variant (Variation ID: 1431003). Invitae Evidence Modeling of protein sequence and biophysical properties (such as structural, functional, and spatial information, amino acid conservation, physicochemical variation, residue mobility, and thermodynamic stability) indicates that this missense variant is expected to disrupt PPP3CA protein function with a positive predictive value of 80%. In summary, the available evidence is currently insufficient to determine the role of this variant in disease. Therefore, it has been classified as a Variant of Uncertain Significance.